The following is an entry in ClinVar:

ClinVar aggregate classification (germline): Uncertain significance (1 of 4 stars; one submission).

Conditions:
Bardet-Biedl syndrome (BBS). Identifiers: Orphanet 110, MedGen C0752166, MONDO:0015229.

Submission:

Labcorp Genetics (formerly Invitae), Labcorp
Classification: Uncertain significance for Bardet-Biedl syndrome. Last evaluated: 2022-02-28. Review status: criteria provided, single submitter. Criteria: Invitae Variant Classification Sherloc (09022015). Collection method: clinical testing. Allele origin: germline.
Comment: This sequence change falls in intron 8 of the BBS1 gene. It does not directly change the encoded amino acid sequence of the BBS1 protein. This variant is not present in population databases (gnomAD no frequency). This variant has not been reported in the literature in individuals affected with BBS1-related conditions. Algorithms developed to predict the effect of sequence changes on RNA splicing suggest that this variant may create or strengthen a splice site. In summary, the available evidence is currently insufficient to determine the role of this variant in disease. Therefore, it has been classified as a Variant of Uncertain Significance.

NM_024649.5(BBS1):c.723+14C>G

Gene: BBS1 (Bardet-Biedl syndrome 1; plus strand). Cytogenetic location: 11q13.2.
Variant type: single nucleotide variant.
Coding change: c.723+14C>G on transcript NM_024649.5 (MANE Select); 14 bases into the intron after coding-DNA position 723, C replaced by G.
Molecular consequence: intron variant.
Genome position (GRCh38, 1-based): chr11:66,519,762, C>G. VCF-style: chr11-66519762-C-G. GRCh37 (hg19) VCF-style: chr11-66287233-C-G.
Identifiers: ClinVar variation 2104358 (VCV002104358.4), dbSNP rs749568186, ClinGen allele CA2580084558.
Genomic context (GRCh38, chr11:66,519,762, plus strand): 5'-AGGAGCTCCTGGTGCTTGACCCCGAGGCCTTCACCATTTTAGCCAAGGTCAGCGTCAGGT[C>G]TGGCCCTGGGCCCGCTGGAGGCCCAGGCTGCATTCTCTCCCCATGCTCCACAGTTAGTTC-3'